The following is an entry in ClinVar:

NM_001042492.3(NF1):c.314A>G (p.Asp105Gly)

Gene: NF1 (neurofibromin 1; plus strand). Cytogenetic location: 17q11.2.
Variant type: single nucleotide variant.
Coding change: c.314A>G on transcript NM_001042492.3 (MANE Select); coding-DNA position 314, A replaced by G.
Protein change: p.Asp105Gly; replaces aspartic acid 105 with glycine.
Molecular consequence: missense variant.
Genome position (GRCh38, 1-based): chr17:31,163,211, A>G. VCF-style: chr17-31163211-A-G. GRCh37 (hg19) VCF-style: chr17-29490229-A-G.
Other names: c.314A>G, p.Asp105Gly (NM_000267.4, NM_001128147.3); short protein forms D105G.
Identifiers: ClinVar variation 5025643 (VCV005025643.1).

ClinVar aggregate classification (germline): Uncertain significance (1 of 4 stars; one submission).

Conditions:
Cardiovascular phenotype. Identifiers: MedGen CN230736.
Hereditary cancer-predisposing syndrome. Also called: Neoplastic Syndromes, Hereditary; Tumor predisposition; Hereditary neoplastic syndrome; Hereditary Cancer Syndrome. Identifiers: Orphanet 140162, MedGen C0027672, MeSH D009386, MONDO:0015356.

Submission:

Ambry Genetics
Classification: Uncertain significance for Cardiovascular phenotype; Hereditary cancer-predisposing syndrome. Last evaluated: 2026-08-31. Review status: criteria provided, single submitter. Criteria: Ambry Variant Classification Scheme 2023. Collection method: clinical testing. Allele origin: germline.
Comment: The p.D105G variant (also known as c.314A>G), located in coding exon 4 of the NF1 gene, results from an A to G substitution at nucleotide position 314. The aspartic acid at codon 105 is replaced by glycine, an amino acid with similar properties. This amino acid position is conserved. In addition, this alteration is predicted to be deleterious by in silico analysis. Based on the available evidence, the clinical significance of this variant remains unclear.